The following is an entry in ClinVar:

ClinVar aggregate classification (germline): Uncertain significance (1 of 4 stars; one submission).

Conditions:
Neurofibromatosis, type 1 (NF1). Also called: VON RECKLINGHAUSEN DISEASE; Peripheral type neurofibromatosis; NEUROFIBROMATOSIS, TYPE I, SOMATIC; Neurofibromatosis, type I. Identifiers: Orphanet 636, MedGen C0027831, MONDO:0018975, OMIM 162200. Disease mechanism: loss of function.

Submission:

Labcorp Genetics (formerly Invitae), Labcorp
Classification: Uncertain significance for Neurofibromatosis, type 1. Last evaluated: 2026-01-25. Review status: criteria provided, single submitter. Criteria: Invitae Variant Classification Sherloc (09022015). Collection method: clinical testing. Allele origin: germline.
Comment: This sequence change falls in intron 43 of the NF1 gene. It does not directly change the encoded amino acid sequence of the NF1 protein. It affects a nucleotide within the consensus splice site. This variant is not present in population databases (gnomAD no frequency). This variant has been observed in individual(s) with clinical features of neurofibromatosis type I (internal data). Variants that disrupt the consensus splice site are a relatively common cause of aberrant splicing (PMID: 17576681, 9536098). Algorithms developed to predict the effect of sequence changes on RNA splicing suggest that this variant may disrupt the consensus splice site. In summary, the available evidence is currently insufficient to determine the role of this variant in disease. Therefore, it has been classified as a Variant of Uncertain Significance.

Literature cited by the submitters: PubMed 17576681; PubMed 9536098.

NM_001042492.3(NF1):c.6704+3_6704+4del

Gene: NF1 (neurofibromin 1; plus strand). Cytogenetic location: 17q11.2.
Variant type: Deletion.
Coding change: c.6704+3_6704+4del on transcript NM_001042492.3 (MANE Select); bases 3 to 4 of the intron after coding-DNA position 6704, 2 bases deleted (AT; older notation c.6704+3_6704+4delAT).
Molecular consequence: splice donor variant.
Genome position (GRCh38, 1-based): chr17:31,337,883-31,337,884, AT deleted; deleting any 2 consecutive bases within chr17:31,337,882-31,337,884 gives the same sequence; the c. name uses the placement nearest the transcript's 3' end. VCF-style (leftmost placement, unchanged base first): chr17-31337881-GTA-G. GRCh37 (hg19) VCF-style: chr17-29664899-GTA-G.
Other names: c.6641+3_6641+4del (NM_000267.4).
Identifiers: ClinVar variation 4734253 (VCV004734253.1).
Genomic context (GRCh38, chr17:31,337,881, plus strand): 5'-ATGCATGAGAGATATTCCAACGTGCAAGTGGCTGGACCAGTGGACAGAACTAGCTCAAAG[GTA>G]TGTCCTAAATTAAATATAAGTTGTAAAAATATGCATATTGTTGAAAATACAGCTATTACT-3'